The following is an entry in ClinVar:

NM_198576.4(AGRN):c.5572G>A (p.Glu1858Lys)

Gene: AGRN (agrin; plus strand). Cytogenetic location: 1p36.33.
Variant type: single nucleotide variant.
Coding change: c.5572G>A on transcript NM_198576.4 (MANE Select); coding-DNA position 5572, G replaced by A.
Protein change: p.Glu1858Lys; replaces glutamic acid 1858 with lysine.
Molecular consequence: missense variant.
Genome position (GRCh38, 1-based): chr1:1,051,736, G>A. VCF-style: chr1-1051736-G-A. GRCh37 (hg19) VCF-style: chr1-987116-G-A.
Other names: c.5584G>A, p.Glu1862Lys (NM_001305275.2); c.5269G>A, p.Glu1757Lys (NM_001364727.2); short protein forms E1858K, E1757K, E1862K.
Identifiers: ClinVar variation 397549 (VCV000397549.2), dbSNP rs1060499677, ClinGen allele CA16609411.

ClinVar aggregate classification (germline): Uncertain significance (1 of 4 stars; one submission).

Conditions:
Congenital myasthenic syndrome 8. Also called: MYASTHENIC SYNDROME, CONGENITAL, DUE TO AGRIN DEFICIENCY; Myasthenic syndrome, congenital, 8, with pre- and postsynaptic defects. Identifiers: Orphanet 590, MedGen C3808739, MONDO:0014052, OMIM 615120.

Submission:

Center of Genomic medicine, Geneva, University Hospital of Geneva
Classification: Uncertain significance for Congenital myasthenic syndrome 8. Last evaluated: 2016-03-17. Review status: criteria provided, single submitter. Criteria: ACMG Guidelines, 2015. Collection method: clinical testing. Allele origin: germline. Affected: yes.
Comment: This variant is present in a state of homozygosity